The following is an entry in ClinVar:

ClinVar aggregate classification (germline): Uncertain significance (1 of 4 stars; one submission).

Conditions:
Charcot-Marie-Tooth disease, type I (CMT1). Also called: Charcot-Marie-Tooth disease type 1; Charcot-Marie-Tooth, Type 1. Identifiers: Orphanet 65753, MedGen C0751036, MONDO:0019011.

Allele frequency attached by ClinVar (database versions not stated): gnomAD exomes below 0.00001.
gnomAD v4.1: 3 of 1,614,076 alleles (0.00019%); highest among the groups gnomAD compares: Non-Finnish European, 0.00017%; no homozygotes.

Submission:

Labcorp Genetics (formerly Invitae), Labcorp
Classification: Uncertain significance for Charcot-Marie-Tooth disease, type I. Last evaluated: 2022-09-20. Review status: criteria provided, single submitter. Criteria: Invitae Variant Classification Sherloc (09022015). Collection method: clinical testing. Allele origin: germline.
Comment: In summary, the available evidence is currently insufficient to determine the role of this variant in disease. Therefore, it has been classified as a Variant of Uncertain Significance. Advanced modeling of protein sequence and biophysical properties (such as structural, functional, and spatial information, amino acid conservation, physicochemical variation, residue mobility, and thermodynamic stability) has been performed at Invitae for this missense variant, however the output from this modeling did not meet the statistical confidence thresholds required to predict the impact of this variant on EGR2 protein function. ClinVar contains an entry for this variant (Variation ID: 968484). This variant has not been reported in the literature in individuals affected with EGR2-related conditions. This variant is not present in population databases (gnomAD no frequency). This sequence change replaces asparagine, which is neutral and polar, with histidine, which is basic and polar, at codon 52 of the EGR2 protein (p.Asn52His).

NM_000399.5(EGR2):c.154A>C (p.Asn52His)

Gene: EGR2 (early growth response 2; minus strand). Cytogenetic location: 10q21.3.
Variant type: single nucleotide variant.
Coding change: c.154A>C on transcript NM_000399.5 (MANE Select); coding-DNA position 154, A replaced by C.
Protein change: p.Asn52His; replaces asparagine 52 with histidine.
Molecular consequence: missense variant.
Genome position (GRCh38, 1-based): chr10:62,815,876, T>G on the plus strand (A>C on the coding strand, the complement: EGR2 is on the minus strand). VCF-style: chr10-62815876-T-G. GRCh37 (hg19) VCF-style: chr10-64575636-T-G.
Other names: c.154A>C, p.Asn52His (NM_001136177.3, NM_001136178.2); c.4A>C, p.Asn2His (NM_001136179.3, NM_001321037.2); short protein forms N2H, N52H.
Identifiers: ClinVar variation 968484 (VCV000968484.10), dbSNP rs1842254352, ClinGen allele CA377034040.